The following is an entry in ClinVar:

NM_032447.5(FBN3):c.3098G>T (p.Arg1033Leu)

Gene: FBN3 (fibrillin 3; minus strand). Cytogenetic location: 19p13.2.
Variant type: single nucleotide variant.
Coding change: c.3098G>T on transcript NM_032447.5 (MANE Select); coding-DNA position 3098, G replaced by T.
Protein change: p.Arg1033Leu; replaces arginine 1033 with leucine.
Molecular consequence: missense variant.
Genome position (GRCh38, 1-based): chr19:8,121,371, C>A on the plus strand (G>T on the coding strand, the complement: FBN3 is on the minus strand). VCF-style: chr19-8121371-C-A. GRCh37 (hg19) VCF-style: chr19-8186255-C-A.
Other names: c.3098G>T (NM_001321431.1); c.3098G>T, p.Arg1033Leu (NM_001321431.2); short protein forms R1033L.
Identifiers: ClinVar variation 2649190 (VCV002649190.25), dbSNP rs117880701, ClinGen allele CA9152571.

ClinVar aggregate classification (germline): Likely benign. Review status: criteria provided, single submitter (1 of 4 stars). 2 submissions from 2 submitters: Likely benign (1). 1 of the submissions does not count toward it. Last evaluated 2025-02-01.

Conditions:
FBN3-related disorder. Also called: FBN3-related condition.

Allele frequency attached by ClinVar (database versions not stated): 1000 Genomes Project 30x 0.00078; 1000 Genomes Project 0.00100; ESP Exome Variant Server 0.00200.
gnomAD v4.1: 8,086 of 1,603,228 alleles (0.5%); highest among the groups gnomAD compares: Non-Finnish European, 0.57%; 45 homozygotes.

Submissions (2):

CeGaT Center for Human Genetics Tuebingen
Classification: Likely benign. Last evaluated: 2025-02-01. Review status: criteria provided, single submitter. Criteria: CeGaT Center For Human Genetics Tuebingen Variant Classification Criteria Version 2. Collection method: clinical testing. Allele origin: germline. Affected: yes. Observed: 4 variant alleles.
Comment: FBN3: BP4, BS2

PreventionGenetics, part of Exact Sciences
Classification: Benign for FBN3-related condition. Last evaluated: 2019-07-19. Review status: no assertion criteria provided. Collection method: clinical testing. Allele origin: germline. Not counted in ClinVar's aggregate classification.
Comment: This variant is classified as benign based on ACMG/AMP sequence variant interpretation guidelines (Richards et al. 2015 PMID: 25741868, with internal and published modifications).